The following is an entry in ClinVar:

NM_001849.4(COL6A2):c.802G>A (p.Gly268Ser)

Gene: COL6A2 (collagen type VI alpha 2 chain; plus strand). Cytogenetic location: 21q22.3.
Variant type: single nucleotide variant.
Coding change: c.802G>A on transcript NM_001849.4 (MANE Select); coding-DNA position 802, G replaced by A.
Protein change: p.Gly268Ser; replaces glycine 268 with serine.
Molecular consequence: missense variant.
Genome position (GRCh38, 1-based): chr21:46,115,872, G>A. VCF-style: chr21-46115872-G-A. GRCh37 (hg19) VCF-style: chr21-47535786-G-A.
Other names: c.802G>A, p.Gly268Ser (NM_058174.3, NM_058175.3); short protein forms G268S.
Identifiers: ClinVar variation 1460157 (VCV001460157.10), dbSNP rs2123625485, ClinGen allele CA410524577.

ClinVar aggregate classification (germline): Pathogenic/Likely pathogenic. Review status: criteria provided, multiple submitters, no conflicts (2 of 4 stars). 2 submissions from 2 submitters: Pathogenic (1); Likely pathogenic (1). Last evaluated 2024-03-01.

Conditions:
Bethlem myopathy 1A. Also called: Bethlem myopathy 1; Bethlem Muscular Dystrophy; MYOPATHY, BENIGN CONGENITAL, WITH CONTRACTURES. Identifiers: Orphanet 610, MedGen CN029274, MONDO:0024530, OMIM 158810.
COL6A2-related core myopathy.

Submissions (2):

Muscle and Diseases Team, Institut de Génétique et Biologie Moléculaire et Cellulaire
Classification: Likely pathogenic for COL6A2-related core myopathy. Last evaluated: 2024-03-01. Review status: criteria provided, single submitter. Criteria: ACMG Guidelines, 2015. Collection method: research. Allele origin: maternal. Affected: yes. Observed: 1 variant allele.
Comment: PM1+PM2+PM6+PP3+PP4

Labcorp Genetics (formerly Invitae), Labcorp
Classification: Pathogenic for Bethlem myopathy 1A. Last evaluated: 2022-07-06. Review status: criteria provided, single submitter. Criteria: Invitae Variant Classification Sherloc (09022015). Collection method: clinical testing. Allele origin: germline.
Comment: For these reasons, this variant has been classified as Pathogenic. This variant disrupts the triple helix domain of COL6A2. Glycine residues within the Gly-Xaa-Yaa repeats of the triple helix domain are required for the structure and stability of fibrillar collagens (PMID: 7695699, 8218237, 19344236). In COL6A2, missense variants at these glycine residues are significantly enriched in individuals with autosomal dominant disease (PMID: 15689448, 24038877) compared to the general population (ExAC). Algorithms developed to predict the effect of missense changes on protein structure and function are either unavailable or do not agree on the potential impact of this missense change (SIFT: "Tolerated"; PolyPhen-2: "Probably Damaging"; Align-GVGD: "Class C0"). ClinVar contains an entry for this variant (Variation ID: 1460157). This missense change has been observed in individuals with autosomal dominant Bethlem myopathy (PMID: 25535305, 32053901). This variant is not present in population databases (gnomAD no frequency). This sequence change replaces glycine, which is neutral and non-polar, with serine, which is neutral and polar, at codon 268 of the COL6A2 protein (p.Gly268Ser).

Literature cited by the submitters: DOI 10.1186/s13073-024-01353-0 (cited by Muscle and Diseases Team, Institut de Génétique et Biologie Moléculaire et Cellulaire); PubMed 7695699 (cited by Labcorp Genetics (formerly Invitae), Labcorp); PubMed 8218237 (cited by Labcorp Genetics (formerly Invitae), Labcorp); PubMed 19344236 (cited by Labcorp Genetics (formerly Invitae), Labcorp); PubMed 15689448 (cited by Labcorp Genetics (formerly Invitae), Labcorp); PubMed 24038877 (cited by Labcorp Genetics (formerly Invitae), Labcorp); PubMed 25535305 (cited by Labcorp Genetics (formerly Invitae), Labcorp); PubMed 32053901 (cited by Labcorp Genetics (formerly Invitae), Labcorp).